The following is an entry in ClinVar:

NC_000016.10:g.(?_8772760)_(8847845_?)dup

Genes: TMEM186 (transmembrane protein 186; minus strand), ABAT (4-aminobutyrate aminotransferase; plus strand), PMM2 (phosphomannomutase 2; plus strand). Cytogenetic location: 16p13.2.
Variant type: Duplication.
Identifiers: ClinVar variation 832130 (VCV000832130.1).

ClinVar aggregate classification (germline): Uncertain significance (1 of 4 stars; one submission).

Conditions:
PMM2-congenital disorder of glycosylation. Also called: CDG Ia; JAEKEN SYNDROME; Congenital disorder of glycosylation, type Ia; PHOSPHOMANNOMUTASE 2 DEFICIENCY; CARBOHYDRATE-DEFICIENT GLYCOPROTEIN SYNDROME, TYPE Ia; PMM2-CDG. Identifiers: Orphanet 79318, MedGen C0349653, MONDO:0008907, OMIM 212065.

Submission:

Labcorp Genetics (formerly Invitae), Labcorp
Classification: Uncertain significance for Congenital disorder of glycosylation, type Ia. Last evaluated: 2019-04-15. Review status: criteria provided, single submitter. Criteria: Invitae Variant Classification Sherloc (09022015). Collection method: clinical testing. Allele origin: germline.
Comment: This variant results in a copy number gain of the genomic region encompassing the full coding sequence of the PMM2 gene. The boundaries of this event are unknown as they extend beyond the assayed region for this gene and therefore may encompass additional genes. As the precise location of this event is unknown, it may be in tandem or it may be located elsewhere in the genome. This variant has not been reported in the literature in individuals with PMM2-related conditions. In summary, the available evidence is currently insufficient to determine the role of this variant in disease. Therefore, it has been classified as a Variant of Uncertain Significance.